The following is an entry in ClinVar:

NM_006231.4(POLE):c.-15G>A

Genes: POLE (DNA polymerase epsilon, catalytic subunit; minus strand), LOC130009266 (ATAC-STARR-seq lymphoblastoid silent region 5123; plus strand). Cytogenetic location: 12q24.33.
Variant type: single nucleotide variant.
Coding change: c.-15G>A on transcript NM_006231.4 (MANE Select); 15 bases upstream of the start codon, G replaced by A.
Molecular consequence: 5 prime UTR variant.
Genome position (GRCh38, 1-based): chr12:132,687,330, C>T on the plus strand (G>A on the coding strand, the complement: POLE is on the minus strand). VCF-style: chr12-132687330-C-T. GRCh37 (hg19) VCF-style: chr12-133263916-C-T.
Identifiers: ClinVar variation 382178 (VCV000382178.2), dbSNP rs554140626, ClinGen allele CA16607173.

ClinVar aggregate classification (germline): Likely benign. Review status: criteria provided, multiple submitters, no conflicts (2 of 4 stars). 2 submissions from 2 submitters: Likely benign (2). Last evaluated 2017-07-06.

Allele frequency attached by ClinVar (database versions not stated): gnomAD exomes 0.00001 and 0.00002; TOPMed 0.00005; gnomAD 0.00009; 1000 Genomes Project 30x 0.00016; 1000 Genomes Project 0.00020.
gnomAD v4.1: 22 of 1,495,138 alleles (0.0015%); highest among the groups gnomAD compares: African/African-American, 0.024%; no homozygotes.

Submissions (2):

PreventionGenetics, part of Exact Sciences
Classification: Likely benign. Last evaluated: 2017-07-06. Review status: criteria provided, single submitter. Criteria: ACMG Guidelines, 2015. Collection method: clinical testing. Allele origin: germline.

GeneDx
Classification: Likely benign. Last evaluated: 2015-12-08. Review status: criteria provided, single submitter. Criteria: GeneDx Variant Classification (06012015). Collection method: clinical testing. Allele origin: germline. Affected: yes.
Comment: This variant is considered likely benign or benign based on one or more of the following criteria: it is a conservative change, it occurs at a poorly conserved position in the protein, it is predicted to be benign by multiple in silico algorithms, and/or has population frequency not consistent with disease.